The following is an entry in ClinVar:

ClinVar aggregate classification (germline): Benign (1 of 4 stars; one submission).

Allele frequency attached by ClinVar (database versions not stated): gnomAD 0.83673; gnomAD exomes 0.86098.

Submission:

GeneDx
Classification: Benign. Last evaluated: 2018-06-14. Review status: criteria provided, single submitter. Criteria: GeneDx Variant Classification (06012015). Collection method: clinical testing. Allele origin: germline. Affected: yes.
Comment: This variant is considered likely benign or benign based on one or more of the following criteria: it is a conservative change, it occurs at a poorly conserved position in the protein, it is predicted to be benign by multiple in silico algorithms, and/or has population frequency not consistent with disease.

NM_001127222.2(CACNA1A):c.4388+221C>A

Gene: CACNA1A (calcium voltage-gated channel subunit alpha1 A; minus strand). Cytogenetic location: 19p13.13.
Variant type: single nucleotide variant.
Coding change: c.4388+221C>A on transcript NM_001127222.2 (MANE Select); 221 bases into the intron after coding-DNA position 4388, C replaced by A.
Molecular consequence: intron variant.
Genome position (GRCh38, 1-based): chr19:13,259,343, G>T on the plus strand (C>A on the coding strand, the complement: CACNA1A is on the minus strand). VCF-style: chr19-13259343-G-T. GRCh37 (hg19) VCF-style: chr19-13370157-G-T.
Other names: c.4391+221C>A (NM_001127221.2, NM_001174080.2); c.4400+221C>A (NM_000068.4, NM_023035.3).
Identifiers: ClinVar variation 680122 (VCV000680122.1), dbSNP rs11085839, ClinGen allele CA305539251.